The following is an entry in ClinVar:

ClinVar aggregate classification (germline): Conflicting classifications of pathogenicity. Review status: criteria provided, conflicting classifications (1 of 4 stars). 2 submissions from 2 submitters: Uncertain significance (1); Likely benign (1). Last evaluated 2026-07-08.

Conditions:
Inborn genetic diseases. Identifiers: MedGen C0950123, MeSH D030342.
White sponge nevus 1. Also called: LEUKOKERATOSIS, HEREDITARY MUCOSAL. Identifiers: MedGen C4011926, MONDO:0008676, OMIM 193900.

Allele frequency attached by ClinVar (database versions not stated): gnomAD 0.00003; 1000 Genomes Project 30x 0.00016; TOPMed 0.00003; 1000 Genomes Project 0.00020.
gnomAD v4.1: 57 of 1,614,020 alleles (0.0035%); highest among the groups gnomAD compares: Middle Eastern, 0.034%; no homozygotes.

Submissions (2):

Ambry Genetics
Classification: Uncertain significance for Inborn genetic diseases. Last evaluated: 2026-07-08. Review status: criteria provided, single submitter. Criteria: Ambry Variant Classification Scheme 2023. Collection method: clinical testing. Allele origin: germline.
Comment: The c.527C>T (p.T176M) alteration is located in exon 2 (coding exon 2) of the KRT4 gene. This alteration results from a C to T substitution at nucleotide position 527, causing the threonine (T) at amino acid position 176 to be replaced by a methionine (M). Based on data from gnomAD, the T allele has an overall frequency of 0.003% (8/280922) total alleles studied. The highest observed frequency was 0.014% (1/7150) of Other alleles. Based on insufficient or conflicting evidence, the clinical significance of this alteration remains unclear.

Illumina Laboratory Services, Illumina
Classification: Likely benign for White sponge nevus 1. Last evaluated: 2018-01-13. Review status: criteria provided, single submitter. Criteria: ICSL Variant Classification Criteria 13 December 2019. Collection method: clinical testing. Allele origin: germline.
Comment: This variant was observed in the ICSL laboratory as part of a predisposition screen in an ostensibly healthy population. It had not been previously curated by ICSL or reported in the Human Gene Mutation Database (HGMD: prior to June 1st, 2018), and was therefore a candidate for classification through an automated scoring system. Utilizing variant allele frequency, disease prevalence and penetrance estimates, and inheritance mode, an automated score was calculated to assess if this variant is too frequent to cause the disease. Based on the score and internal cut-off values, a variant classified as likely benign is not then subjected to further curation. The score for this variant resulted in a classification of likely benign for this disease.

NM_002272.4(KRT4):c.527C>T (p.Thr176Met)

Gene: KRT4 (keratin 4; minus strand). Cytogenetic location: 12q13.13.
Variant type: single nucleotide variant.
Coding change: c.527C>T on transcript NM_002272.4 (MANE Select); coding-DNA position 527, C replaced by T.
Protein change: p.Thr176Met; replaces threonine 176 with methionine.
Molecular consequence: missense variant.
Genome position (GRCh38, 1-based): chr12:52,811,913, G>A on the plus strand (C>T on the coding strand, the complement: KRT4 is on the minus strand). VCF-style: chr12-52811913-G-A. GRCh37 (hg19) VCF-style: chr12-53205697-G-A.
Other names: short protein forms T176M.
Identifiers: ClinVar variation 309692 (VCV000309692.9), dbSNP rs370759790, ClinGen allele CA6588700.